The following is an entry in ClinVar:

NM_000179.3(MSH6):c.189C>T (p.Ser63=)

Gene: MSH6 (mutS homolog 6; plus strand). Cytogenetic location: 2p16.3.
Variant type: single nucleotide variant.
Coding change: c.189C>T on transcript NM_000179.3 (MANE Select); coding-DNA position 189, C replaced by T.
Protein change: p.Ser63=; no amino-acid change (serine 63 retained).
Molecular consequence: synonymous variant. On other transcripts: 5 prime UTR variant (1).
Genome position (GRCh38, 1-based): chr2:47,783,422, C>T. VCF-style: chr2-47783422-C-T. GRCh37 (hg19) VCF-style: chr2-48010561-C-T.
Other names: c.189C>T, p.Ser63= (NM_001281492.2); c.-548C>T (NM_001281493.2).
Identifiers: ClinVar variation 455161 (VCV000455161.27), dbSNP rs917331457, ClinGen allele CA46688355.
Genomic context (GRCh38, chr2:47,783,422, plus strand): 5'-CCCAGGCGGGGATGCGGCCTGGAGCGAGGCTGGGCCTGGGCCCAGGCCCTTGGCGCGCTC[C>T]GCGTCACCGCCCAAGGCGAAGAACCTCAACGGAGGGCTGCGGAGATCGGTAGCGCCTGCT-3'
Protein context (NP_000170.1, residues 53-73): AGPGPRPLAR[Ser63=]ASPPKAKNLN

ClinVar aggregate classification (germline): Benign/Likely benign. Review status: criteria provided, multiple submitters, no conflicts (2 of 4 stars). 12 submissions from 12 submitters: Benign (1); Likely benign (10). 1 of the submissions does not count toward it. Last evaluated 2026-08-10.

Conditions:
MSH6-related disorder. Also called: MSH6-Related disorders; MSH6-related condition.
Hereditary nonpolyposis colorectal neoplasms. Identifiers: MedGen C0009405, MeSH D003123.
Hereditary cancer-predisposing syndrome. Also called: Tumor predisposition; Hereditary neoplastic syndrome; Neoplastic Syndromes, Hereditary; Hereditary Cancer Syndrome. Identifiers: Orphanet 140162, MedGen C0027672, MeSH D009386, MONDO:0015356.
Lynch syndrome. Identifiers: Orphanet 144, MedGen C4552100, MONDO:0005835. Disease mechanism: loss of function.
Lynch syndrome 5 (LYNCH5). Also called: Colorectal cancer, hereditary nonpolyposis, type 5; Hereditary non-polyposis colorectal cancer, type 5. Identifiers: Orphanet 144, MedGen C1833477, MONDO:0013710, OMIM 614350. Disease mechanism: loss of function.

Allele frequency attached by ClinVar (database versions not stated): gnomAD exomes below 0.00001; TOPMed 0.00001.
gnomAD v4.1: 4 of 1,508,494 alleles (0.00027%); highest among the groups gnomAD compares: East Asian, 0.0026%; no homozygotes.

Submissions (12):

PreventionGenetics, part of Exact Sciences
Classification: Likely benign for MSH6-related condition. Last evaluated: 2026-08-10. Review status: criteria provided, single submitter. Criteria: ACMG Guidelines, 2015. Collection method: clinical testing. Allele origin: germline.
Comment: This variant is classified as likely benign based on ACMG/AMP sequence variant interpretation guidelines (Richards et al. 2015 PMID: 25741868, with internal and published modifications).

Labcorp Genetics (formerly Invitae), Labcorp
Classification: Likely benign for Hereditary nonpolyposis colorectal neoplasms. Last evaluated: 2025-12-09. Review status: criteria provided, single submitter. Criteria: Invitae Variant Classification Sherloc (09022015). Collection method: clinical testing. Allele origin: germline.

Women's Health and Genetics/Laboratory Corporation of America, LabCorp
Classification: Likely benign. Last evaluated: 2025-06-09. Review status: criteria provided, single submitter. Criteria: LabCorp Variant Classification Summary - May 2015. Collection method: clinical testing. Allele origin: germline.

Myriad Genetics, Inc.
Classification: Benign for Lynch syndrome 5. Last evaluated: 2024-12-17. Review status: criteria provided, single submitter. Criteria: Myriad Autosomal Dominant, Autosomal Recessive and X-Linked Classification Criteria (2023). Collection method: clinical testing. Allele origin: unknown.
Comment: This variant is considered benign. This variant is a silent/synonymous amino acid change and it is not expected to impact splicing.

Institute for Biomarker Research, Medical Diagnostic Laboratories, L.L.C.
Classification: Likely benign for Hereditary cancer-predisposing syndrome. Last evaluated: 2024-03-22. Review status: criteria provided, single submitter. Criteria: ACMG Guidelines, 2015. Collection method: clinical testing. Allele origin: germline.

All of Us Research Program, National Institutes of Health
Classification: Likely benign for Lynch syndrome. Last evaluated: 2023-12-01. Review status: criteria provided, single submitter. Criteria: ACMG Guidelines, 2015. Collection method: clinical testing. Allele origin: germline. Inheritance: Autosomal dominant inheritance. Observed: 3 variant alleles, 3 heterozygotes.
Comment: This study involves interpretation of variants in research participants for the purpose of population health screening. Participant phenotype was not available at the time of variant classification. Additional details can be found in publication PMID: 35346344, PMCID: PMC8962531

KCCC/NGS Laboratory, Kuwait Cancer Control Center
Classification: Likely benign for Lynch syndrome 5. Last evaluated: 2023-07-07. Review status: criteria provided, single submitter. Criteria: ACMG Guidelines, 2015. Collection method: clinical testing. Allele origin: germline. Affected: yes.

Sema4
Classification: Likely benign for Hereditary cancer-predisposing syndrome. Last evaluated: 2020-11-28. Review status: criteria provided, single submitter. Criteria: Sema4 Curation Guidelines. Collection method: curation. Allele origin: germline.

Color Diagnostics, LLC DBA Color Health
Classification: Likely benign for Hereditary cancer-predisposing syndrome. Last evaluated: 2018-11-12. Review status: criteria provided, single submitter. Criteria: ACMG Guidelines, 2015. Collection method: clinical testing. Allele origin: germline.

GeneDx
Classification: Likely benign. Last evaluated: 2018-04-20. Review status: criteria provided, single submitter. Criteria: GeneDx Variant Classification (06012015). Collection method: clinical testing. Allele origin: germline. Affected: yes.
Comment: This variant is considered likely benign or benign based on one or more of the following criteria: it is a conservative change, it occurs at a poorly conserved position in the protein, it is predicted to be benign by multiple in silico algorithms, and/or has population frequency not consistent with disease.

Ambry Genetics
Classification: Likely benign for Hereditary cancer-predisposing syndrome. Last evaluated: 2016-09-25. Review status: criteria provided, single submitter. Criteria: Ambry Variant Classification Scheme 2023. Collection method: clinical testing. Allele origin: germline.

Department of Pathology and Laboratory Medicine, Sinai Health System
Classification: Likely benign for Lynch syndrome. Review status: no assertion criteria provided. Collection method: clinical testing. Allele origin: unknown. Affected: yes. Observed: 1 variant allele. Study: The Canadian Open Genetics Repository (COGR). Not counted in ClinVar's aggregate classification.
Comment: The MSH6 p.Ser63= variant was not identified in the literature nor was it identified in the following databases: dbSNP, ClinVar, COGR, Cosmic, MutDB, UMD-LSDB, Insight Colon Cancer Gene Variant Database, Zhejiang Colon Cancer Database, Mismatch Repair Genes Variant Database, or the Insight Hereditary Tumors Database. The variant was identified in control databases in 1 of 108382 chromosomes at a frequency of 0.000009 (Genome Aggregation Database Feb 27, 2017), in the East Asian population in 1 of 6952 chromosomes (freq: 0.0001); it was not observed in the African, â€šÃ„ÃºOtherâ€šÃ„Ã¹, Latino, European Non-Finnish, Ashkenazi Jewish, European Finnish, and South Asian populations. The p.Ser63= variant is not expected to have clinical significance because it does not result in a change of amino acid and is not located in a known consensus splice site. In addition, in silico or computational prediction software programs (SpliceSiteFinder, MaxEntScan, NNSPLICE, GeneSplicer, HumanSpliceFinder) do not predict a difference in splicing. In summary, based on the above information this variant meets our laboratory's criteria to be classified as likely benign.